The following is an entry in ClinVar:

NM_022089.4(ATP13A2):c.92C>G (p.Ser31Ter)

Gene: ATP13A2 (ATPase cation transporting 13A2; minus strand). Cytogenetic location: 1p36.13.
Variant type: single nucleotide variant.
Coding change: c.92C>G on transcript NM_022089.4 (MANE Select); coding-DNA position 92, C replaced by G.
Protein change: p.Ser31Ter; replaces serine 31 with a stop codon.
Molecular consequence: nonsense.
Genome position (GRCh38, 1-based): chr1:17,005,697, G>C on the plus strand (C>G on the coding strand, the complement: ATP13A2 is on the minus strand). VCF-style: chr1-17005697-G-C. GRCh37 (hg19) VCF-style: chr1-17332192-G-C.
Other names: c.92C>G, p.Ser31Ter (NM_001141973.3, NM_001141974.3); short protein forms S31*.
Identifiers: ClinVar variation 4854496 (VCV004854496.1).
Genomic context (GRCh38, chr1:17,005,697, plus strand): 5'-GGCATTCACCCCCTGCAGCTTTTCCCCACCCCACTCTGCCCACTTACCACGGATGAAACT[G>C]AGGAGCTGAGGGGATCTATTGATGTCCCTATCGTCAGGGTCCCATAACCGGTGGGCGTGC-3'

ClinVar aggregate classification (germline): Pathogenic (1 of 4 stars; one submission).

Conditions:
ATP13A2-related disorder. Also called: ATP13A2-related disorders; ATP13A2-related condition.

Submission:

3billion
Classification: Pathogenic for ATP13A2-related disorder. Last evaluated: 2025-07-21. Review status: criteria provided, single submitter. Criteria: ACMG Guidelines, 2015. Collection method: clinical testing. Allele origin: germline. Affected: yes.
Comment: The variant is not observed in the gnomAD v4.1.0 dataset. Predicted Consequence/Location: Stop-gained (nonsense): predicted to result in a loss or disruption of normal protein function through nonsense-mediated decay (NMD) or protein truncation. Multiple pathogenic variants are reported downstream of the variant. The variant has been reported to be associated with ATP13A2-related disorder (PMID: 35572931). Therefore, this variant is classified as Pathogenic according to the recommendation of ACMG/AMP guideline.

Literature cited by the submitters: PubMed 35572931.